The following is an entry in ClinVar:

NM_001365276.2(TNXB):c.9101C>T (p.Ala3034Val)

Gene: TNXB (tenascin XB; minus strand). Cytogenetic location: 6p21.33.
Variant type: single nucleotide variant.
Coding change: c.9101C>T on transcript NM_001365276.2 (MANE Select); coding-DNA position 9101, C replaced by T.
Protein change: p.Ala3034Val; replaces alanine 3034 with valine.
Molecular consequence: missense variant.
Genome position (GRCh38, 1-based): chr6:32,052,684, G>A on the plus strand (C>T on the coding strand, the complement: TNXB is on the minus strand). VCF-style: chr6-32052684-G-A. GRCh37 (hg19) VCF-style: chr6-32020461-G-A.
Other names: c.9095C>T, p.Ala3032Val (NM_019105.8); short protein forms A3032V, A3034V.
Identifiers: ClinVar variation 2507249 (VCV002507249.2), dbSNP rs746165080, ClinGen allele CA3733649.

ClinVar aggregate classification (germline): Conflicting classifications of pathogenicity. Review status: criteria provided, conflicting classifications (1 of 4 stars). 2 submissions from 2 submitters: Uncertain significance (1); Likely benign (1). Last evaluated 2026-03-05.

Conditions:
Cardiovascular phenotype. Identifiers: MedGen CN230736.

Allele frequency attached by ClinVar (database versions not stated): gnomAD exomes 0.00001; ExAC 0.00003; TOPMed 0.00012; gnomAD 0.00016.
gnomAD v4.1: 40 of 1,613,040 alleles (0.0025%); highest among the groups gnomAD compares: African/African-American, 0.037%; no homozygotes.

Submissions (2):

Ambry Genetics
Classification: Likely benign for Cardiovascular phenotype. Last evaluated: 2026-03-05. Review status: criteria provided, single submitter. Criteria: Ambry Variant Classification Scheme 2023. Collection method: clinical testing. Allele origin: germline.

GeneDx
Classification: Uncertain significance. Last evaluated: 2022-12-27. Review status: criteria provided, single submitter. Criteria: GeneDx Variant Classification Process June 2021. Collection method: clinical testing. Allele origin: germline. Affected: yes.
Comment: Has not been previously published as pathogenic or benign to our knowledge; In silico analysis supports that this missense variant does not alter protein structure/function